The following is an entry in ClinVar:

NM_001258392.3(CLPB):c.359C>G (p.Ala120Gly)

Gene: CLPB (ClpB family mitochondrial disaggregase; minus strand). Cytogenetic location: 11q13.4.
Variant type: single nucleotide variant.
Coding change: c.359C>G on transcript NM_001258392.3 (MANE Select); coding-DNA position 359, C replaced by G.
Protein change: p.Ala120Gly; replaces alanine 120 with glycine.
Molecular consequence: missense variant. On other transcripts: synonymous variant (1).
Genome position (GRCh38, 1-based): chr11:72,434,116, G>C on the plus strand (C>G on the coding strand, the complement: CLPB is on the minus strand). VCF-style: chr11-72434116-G-C. GRCh37 (hg19) VCF-style: chr11-72145160-G-C.
Other names: c.359C>G, p.Ala120Gly (NM_001258393.3, NM_030813.6); c.117C>G, p.Arg39= (NM_001258394.3); c.359C>G (NM_030813.3); short protein forms A120G.
Identifiers: ClinVar variation 567676 (VCV000567676.11), dbSNP rs1565107812, ClinGen allele CA381962864.

ClinVar aggregate classification (germline): Uncertain significance. Review status: criteria provided, multiple submitters, no conflicts (2 of 4 stars). 2 submissions from 2 submitters: Uncertain significance (2). Last evaluated 2025-12-08.

Conditions:
Inborn genetic diseases. Identifiers: MedGen C0950123, MeSH D030342.
3-methylglutaconic aciduria, type VIIB (MGCA7B). Also called: CLPB Deficiency; 3-methylglutaconic aciduria, type VII, with cataracts, neurologic involvement and neutropenia; 3-methylglutaconic aciduria with cataracts, neurologic involvement and neutropenia. Identifiers: Orphanet 445038, MedGen C5676893, MONDO:0014561, OMIM 616271.

Allele frequency attached by ClinVar (database versions not stated): gnomAD 0.00001; TOPMed 0.00002.
gnomAD v4.1: 4 of 1,611,726 alleles (0.00025%); highest among the groups gnomAD compares: Middle Eastern, 0.033%; no homozygotes.

Submissions (2):

Ambry Genetics
Classification: Uncertain significance for Inborn genetic diseases. Last evaluated: 2025-12-08. Review status: criteria provided, single submitter. Criteria: Ambry Variant Classification Scheme 2023. Collection method: clinical testing. Allele origin: germline.

Labcorp Genetics (formerly Invitae), Labcorp
Classification: Uncertain significance for 3-methylglutaconic aciduria, type VIIB. Last evaluated: 2021-04-28. Review status: criteria provided, single submitter. Criteria: Invitae Variant Classification Sherloc (09022015). Collection method: clinical testing. Allele origin: germline.
Comment: In summary, the available evidence is currently insufficient to determine the role of this variant in disease. Therefore, it has been classified as a Variant of Uncertain Significance. Algorithms developed to predict the effect of missense changes on protein structure and function (SIFT, PolyPhen-2, Align-GVGD) all suggest that this variant is likely to be tolerated, but these predictions have not been confirmed by published functional studies and their clinical significance is uncertain. This variant has not been reported in the literature in individuals with CLPB-related disease. This variant is not present in population databases (ExAC no frequency). This sequence change replaces alanine with glycine at codon 120 of the CLPB protein (p.Ala120Gly). The alanine residue is weakly conserved and there is a small physicochemical difference between alanine and glycine.